The following is an entry in ClinVar:

NM_001112.4(ADARB1):c.730C>G (p.Arg244Gly)

Gene: ADARB1 (adenosine deaminase RNA specific B1; plus strand). Cytogenetic location: 21q22.3.
Variant type: single nucleotide variant.
Coding change: c.730C>G on transcript NM_001112.4 (MANE Select); coding-DNA position 730, C replaced by G.
Protein change: p.Arg244Gly; replaces arginine 244 with glycine.
Molecular consequence: missense variant. On other transcripts: non-coding transcript variant (4).
Genome position (GRCh38, 1-based): chr21:45,176,431, C>G. VCF-style: chr21-45176431-C-G. GRCh37 (hg19) VCF-style: chr21-46596346-C-G.
Other names: c.730C>G, p.Arg244Gly (NM_001160230.2, NM_001346688.2, NM_015833.4 and 1 more transcripts); c.877C>G, p.Arg293Gly (NM_001346687.2, NM_001410722.1); short protein forms R244G, R293G.
Identifiers: ClinVar variation 2505263 (VCV002505263.1), dbSNP rs769342205, ClinGen allele CA410489135.

ClinVar aggregate classification (germline): Uncertain significance (1 of 4 stars; one submission).

Submission:

Greenwood Genetic Center Diagnostic Laboratories, Greenwood Genetic Center
Classification: Uncertain significance. Last evaluated: 2023-02-02. Review status: criteria provided, single submitter. Criteria: ACMG Guidelines, 2015. Collection method: clinical testing. Allele origin: germline. Affected: yes.
Comment: PM2 PM3_supporting